The following is an entry in ClinVar:

ClinVar aggregate classification (germline): Uncertain significance (1 of 4 stars; one submission).

Conditions:
Familial thoracic aortic aneurysm and aortic dissection (TAAD). Also called: Thoracic aortic aneurysms and dissections. Identifiers: Orphanet 91387, MedGen C4707243, MONDO:0019625.

Submission:

All of Us Research Program, National Institutes of Health
Classification: Uncertain significance for Familial thoracic aortic aneurysm and aortic dissection. Last evaluated: 2023-11-02. Review status: criteria provided, single submitter. Criteria: ACMG Guidelines, 2015. Collection method: clinical testing. Allele origin: germline. Inheritance: Autosomal dominant inheritance. Observed: 1 variant allele, 1 heterozygote.
Comment: This variant causes a deletion of 1 nucleotide in exon 35 of the MYH11 gene, creating a frameshift and premature translation stop signal. This variant is expected to result in an absent or non-functional protein product. To our knowledge, this variant has not been reported in individuals affected with MYH11-related disorders in the literature. This variant has not been identified in the general population by the Genome Aggregation Database (gnomAD). Clinical relevance of loss-of-function MYH11 truncation variants in autosomal dominant cardiovascular disorders is not clearly established. The available evidence is insufficient to determine the role of this variant in disease conclusively. Therefore, this variant is classified as a Variant of Uncertain Significance.

This study involves interpretation of variants in research participants for the purpose of population health screening. Participant phenotype was not available at the time of variant classification. Additional details can be found in publication PMID: 35346344, PMCID: PMC8962531

NM_002474.3(MYH11):c.4947del (p.Lys1649fs)

Genes: NDE1 (nudE neurodevelopment protein 1; plus strand), MYH11 (myosin heavy chain 11; minus strand). Cytogenetic location: 16p13.11.
Variant type: Deletion.
Coding change: c.4947del on transcript NM_002474.3 (MANE Select); coding-DNA position 4947, one base deleted (A; older notation c.4947delA).
Protein change: p.Lys1649fs; shifts the reading frame from lysine 1649.
Molecular consequence: frameshift variant. On other transcripts: intron variant (2).
Genome position (GRCh38, 1-based): chr16:15,720,157, T deleted on the plus strand (A on the coding strand, the reverse complement: MYH11 is on the minus strand); the first of 3 consecutive T bases (chr16:15,720,157-15,720,159); deleting any one gives the same sequence. VCF-style (leftmost placement, unchanged base first): chr16-15720156-GT-G. GRCh37 (hg19) VCF-style: chr16-15814013-GT-G.
Other names: c.4968del, p.Lys1656fs (NM_001040113.2, NM_001040114.2); c.4947del, p.Lys1649fs (NM_022844.3); c.948-4032del (NM_001143979.2, NM_017668.3); short protein forms K1649fs, K1656fs.
Identifiers: ClinVar variation 3074323 (VCV003074323.1), dbSNP rs2506112839, ClinGen allele CA2631937720.